The following is an entry in ClinVar:

ClinVar aggregate classification (germline): Uncertain significance. Review status: criteria provided, multiple submitters, no conflicts (2 of 4 stars). 3 submissions from 3 submitters: Uncertain significance (3). Last evaluated 2025-06-10.

Conditions:
Hereditary cancer-predisposing syndrome. Also called: Hereditary Cancer Syndrome; Tumor predisposition; Hereditary neoplastic syndrome; Neoplastic Syndromes, Hereditary. Identifiers: Orphanet 140162, MedGen C0027672, MeSH D009386, MONDO:0015356.

Allele frequency attached by ClinVar (database versions not stated): gnomAD exomes below 0.00001; ExAC 0.00001; gnomAD 0.00001; TOPMed 0.00002.
gnomAD v4.1: 20 of 1,613,542 alleles (0.0012%); highest among the groups gnomAD compares: Non-Finnish European, 0.0017%; no homozygotes.

Submissions (3):

Ambry Genetics
Classification: Uncertain significance for Hereditary cancer-predisposing syndrome. Last evaluated: 2025-06-10. Review status: criteria provided, single submitter. Criteria: Ambry Variant Classification Scheme 2023. Collection method: clinical testing. Allele origin: germline.

Labcorp Genetics (formerly Invitae), Labcorp
Classification: Uncertain significance. Last evaluated: 2025-04-23. Review status: criteria provided, single submitter. Criteria: Invitae Variant Classification Sherloc (09022015). Collection method: clinical testing. Allele origin: germline.
Comment: This sequence change replaces arginine, which is basic and polar, with histidine, which is basic and polar, at codon 821 of the POLE protein (p.Arg821His). This variant is present in population databases (rs757051826, gnomAD 0.0009%). This variant has not been reported in the literature in individuals affected with POLE-related conditions. ClinVar contains an entry for this variant (Variation ID: 647860). Invitae Evidence Modeling of protein sequence and biophysical properties (such as structural, functional, and spatial information, amino acid conservation, physicochemical variation, residue mobility, and thermodynamic stability) indicates that this missense variant is expected to disrupt POLE protein function with a positive predictive value of 80%. In summary, the available evidence is currently insufficient to determine the role of this variant in disease. Therefore, it has been classified as a Variant of Uncertain Significance.

Sema4
Classification: Uncertain significance for Hereditary cancer-predisposing syndrome. Last evaluated: 2021-05-14. Review status: criteria provided, single submitter. Criteria: Sema4 Curation Guidelines. Collection method: curation. Allele origin: germline.
Comment: The POLE c.2462G>A (p.R821H) variant has been reported in study analyzing hypermutation in over 81,000 tumor samples (PMID: 29056344). This variant was observed in 1/113588 chromosomes in the European Non-Finnish subpopulation according to the Genome Aggregation Database (PMID: 32461654). This variant has been reported in ClinVar (Variation ID: 647860). In silico tools suggest the impact of the variant on protein function is inconclusive, though these predictions have not been confirmed by functional studies. The overall evidence is insufficient to meet ACMG/AMP criteria for classifying it as benign or pathogenic. In summary, the clinical significance of this variant is currently uncertain.

Literature cited by the submitters: PubMed 29056344 (cited by Sema4).

NM_006231.4(POLE):c.2462G>A (p.Arg821His)

Gene: POLE (DNA polymerase epsilon, catalytic subunit; minus strand). Cytogenetic location: 12q24.33.
Variant type: single nucleotide variant.
Coding change: c.2462G>A on transcript NM_006231.4 (MANE Select); coding-DNA position 2462, G replaced by A.
Protein change: p.Arg821His; replaces arginine 821 with histidine.
Molecular consequence: missense variant.
Genome position (GRCh38, 1-based): chr12:132,665,308, C>T on the plus strand (G>A on the coding strand, the complement: POLE is on the minus strand). VCF-style: chr12-132665308-C-T. GRCh37 (hg19) VCF-style: chr12-133241894-C-T.
Other names: c.2462G>A (NM_006231.2); short protein forms R821H.
Identifiers: ClinVar variation 647860 (VCV000647860.11), dbSNP rs757051826, ClinGen allele CA6893557.
Genomic context (GRCh38, chr12:132,665,308, plus strand): 5'-ACGTGGACTCATCCATTCCTCCCATAAGCCTCTCCCGGGCCCGGGCCCACCTACCCCTTG[C>T]GCATGACATAGCCATAGAAGGAGTTCAGGATGCACTTGTGGGCCAGCTGCAGCGAGTCAT-3'
Protein context (NP_006222.2, residues 811-831): ILNSFYGYVM[Arg821His]KGARWYSMEM